The following is an entry in ClinVar:

ClinVar aggregate classification (germline): Uncertain significance (1 of 4 stars; one submission).

Allele frequency attached by ClinVar (database versions not stated): gnomAD exomes below 0.00001; TOPMed below 0.00001; gnomAD 0.00001.
gnomAD v4.1: 4 of 1,614,000 alleles (0.00025%); highest among the groups gnomAD compares: African/African-American, 0.004%; no homozygotes.

Submission:

Labcorp Genetics (formerly Invitae), Labcorp
Classification: Uncertain significance. Last evaluated: 2022-03-20. Review status: criteria provided, single submitter. Criteria: Invitae Variant Classification Sherloc (09022015). Collection method: clinical testing. Allele origin: germline.
Comment: Algorithms developed to predict the effect of missense changes on protein structure and function (SIFT, PolyPhen-2, Align-GVGD) all suggest that this variant is likely to be tolerated. This variant has not been reported in the literature in individuals affected with TCF20-related conditions. This variant is present in population databases (no rsID available, gnomAD 0.01%). This sequence change replaces proline, which is neutral and non-polar, with threonine, which is neutral and polar, at codon 1460 of the TCF20 protein (p.Pro1460Thr). In summary, the available evidence is currently insufficient to determine the role of this variant in disease. Therefore, it has been classified as a Variant of Uncertain Significance.

NM_001378418.1(TCF20):c.4378C>A (p.Pro1460Thr)

Gene: TCF20 (transcription factor 20; minus strand). Cytogenetic location: 22q13.2.
Variant type: single nucleotide variant.
Coding change: c.4378C>A on transcript NM_001378418.1 (MANE Select); coding-DNA position 4378, C replaced by A.
Protein change: p.Pro1460Thr; replaces proline 1460 with threonine.
Molecular consequence: missense variant.
Genome position (GRCh38, 1-based): chr22:42,210,928, G>T on the plus strand (C>A on the coding strand, the complement: TCF20 is on the minus strand). VCF-style: chr22-42210928-G-T. GRCh37 (hg19) VCF-style: chr22-42606934-G-T.
Other names: c.4378C>A, p.Pro1460Thr (NM_005650.4, NM_181492.3); short protein forms P1460T.
Identifiers: ClinVar variation 2115149 (VCV002115149.4), dbSNP rs1164646547, ClinGen allele CA411784454.